The following is an entry in ClinVar:

ClinVar aggregate classification (germline): Conflicting classifications of pathogenicity. Review status: criteria provided, conflicting classifications (1 of 4 stars). 3 submissions from 3 submitters: Uncertain significance (1); Likely benign (2). Last evaluated 2025-11-01.

Conditions:
Inborn genetic diseases. Identifiers: MedGen C0950123, MeSH D030342.

Allele frequency attached by ClinVar (database versions not stated): gnomAD 0.00005; ExAC 0.00007; TOPMed 0.00012; gnomAD exomes 0.00018; ESP Exome Variant Server 0.00038.
gnomAD v4.1: 262 of 1,607,010 alleles (0.016%); highest among the groups gnomAD compares: Non-Finnish European, 0.021%; no homozygotes.

Submissions (3):

CeGaT Center for Human Genetics Tuebingen
Classification: Likely benign. Last evaluated: 2025-11-01. Review status: criteria provided, single submitter. Criteria: CeGaT Center For Human Genetics Tuebingen Variant Classification Criteria Version 2. Collection method: clinical testing. Allele origin: germline. Affected: yes. Observed: 3 variant alleles.
Comment: CAMTA1: BP4, BS1:Supporting

Labcorp Genetics (formerly Invitae), Labcorp
Classification: Uncertain significance. Last evaluated: 2023-06-03. Review status: criteria provided, single submitter. Criteria: Invitae Variant Classification Sherloc (09022015). Collection method: clinical testing. Allele origin: germline.
Comment: In summary, the available evidence is currently insufficient to determine the role of this variant in disease. Therefore, it has been classified as a Variant of Uncertain Significance. An algorithm developed to predict the effect of missense changes on protein structure and function (PolyPhen-2) suggests that this variant is likely to be disruptive. ClinVar contains an entry for this variant (Variation ID: 2174903). This variant has not been reported in the literature in individuals affected with CAMTA1-related conditions. This variant is present in population databases (rs146626323, gnomAD 0.01%). This sequence change replaces valine, which is neutral and non-polar, with methionine, which is neutral and non-polar, at codon 334 of the CAMTA1 protein (p.Val334Met).

Ambry Genetics
Classification: Likely benign for Inborn genetic diseases. Last evaluated: 2022-03-31. Review status: criteria provided, single submitter. Criteria: Ambry Variant Classification Scheme 2023. Collection method: clinical testing. Allele origin: germline.

NM_015215.4(CAMTA1):c.1000G>A (p.Val334Met)

Gene: CAMTA1 (calmodulin binding transcription activator 1; plus strand). Cytogenetic location: 1p36.23.
Variant type: single nucleotide variant.
Coding change: c.1000G>A on transcript NM_015215.4 (MANE Select); coding-DNA position 1000, G replaced by A.
Protein change: p.Val334Met; replaces valine 334 with methionine.
Molecular consequence: missense variant.
Genome position (GRCh38, 1-based): chr1:7,663,547, G>A. VCF-style: chr1-7663547-G-A. GRCh37 (hg19) VCF-style: chr1-7723607-G-A.
Other names: c.910G>A, p.Val304Met (NM_001349608.2, NM_001349612.2); c.1000G>A, p.Val334Met (NM_001349609.2, NM_001349610.2, NM_001410737.1); c.928G>A, p.Val310Met (NM_001410738.1); c.1000G>A (NM_015215.2); short protein forms V334M, V304M, V310M.
Identifiers: ClinVar variation 2174903 (VCV002174903.24), dbSNP rs146626323, ClinGen allele CA566349.